The following is an entry in ClinVar:

ClinVar aggregate classification (germline): Uncertain significance. Review status: criteria provided, multiple submitters, no conflicts (2 of 4 stars). 2 submissions from 2 submitters: Uncertain significance (2). Last evaluated 2025-12-15.

Allele frequency attached by ClinVar (database versions not stated): TOPMed below 0.00001.

Submissions (2):

Ambry Genetics
Classification: Uncertain significance. Last evaluated: 2025-12-15. Review status: criteria provided, single submitter. Criteria: Ambry Variant Classification Scheme 2023. Collection method: clinical testing. Allele origin: germline.
Comment: The p.P620S variant (also known as c.1858C>T), located in coding exon 8 of the RNF43 gene, results from a C to T substitution at nucleotide position 1858. The proline at codon 620 is replaced by serine, an amino acid with similar properties. This amino acid position is conserved. In addition, this alteration is predicted to be tolerated by in silico analysis. Based on the available evidence, the clinical significance of this variant remains unclear.

Labcorp Genetics (formerly Invitae), Labcorp
Classification: Uncertain significance. Last evaluated: 2024-01-03. Review status: criteria provided, single submitter. Criteria: Invitae Variant Classification Sherloc (09022015). Collection method: clinical testing. Allele origin: germline.
Comment: This sequence change replaces proline, which is neutral and non-polar, with serine, which is neutral and polar, at codon 620 of the RNF43 protein (p.Pro620Ser). This variant is not present in population databases (gnomAD no frequency). This variant has not been reported in the literature in individuals affected with RNF43-related conditions. An algorithm developed to predict the effect of missense changes on protein structure and function (PolyPhen-2) suggests that this variant is likely to be tolerated. In summary, the available evidence is currently insufficient to determine the role of this variant in disease. Therefore, it has been classified as a Variant of Uncertain Significance.

NM_017763.6(RNF43):c.1858C>T (p.Pro620Ser)

Gene: RNF43 (ring finger protein 43; minus strand). Cytogenetic location: 17q22.
Variant type: single nucleotide variant.
Coding change: c.1858C>T on transcript NM_017763.6 (MANE Select); coding-DNA position 1858, C replaced by T.
Protein change: p.Pro620Ser; replaces proline 620 with serine.
Molecular consequence: missense variant.
Genome position (GRCh38, 1-based): chr17:58,357,918, G>A on the plus strand (C>T on the coding strand, the complement: RNF43 is on the minus strand). VCF-style: chr17-58357918-G-A. GRCh37 (hg19) VCF-style: chr17-56435279-G-A.
Other names: c.1858C>T, p.Pro620Ser (NM_001305544.3); c.1477C>T, p.Pro493Ser (NM_001305545.2); c.1858C>T (NM_017763.4); short protein forms P620S, P493S.
Identifiers: ClinVar variation 2979977 (VCV002979977.4), dbSNP rs1972727999, ClinGen allele CA400387181.